The following is an entry in ClinVar:

ClinVar aggregate classification (germline): Benign/Likely benign. Review status: criteria provided, multiple submitters, no conflicts (2 of 4 stars). 2 submissions from 2 submitters: Benign (1); Likely benign (1). Last evaluated 2026-05-20.

Conditions:
Neurofibromatosis, type 1 (NF1). Also called: Neurofibromatosis, type I; NEUROFIBROMATOSIS, TYPE I, SOMATIC; Peripheral type neurofibromatosis; VON RECKLINGHAUSEN DISEASE. Identifiers: Orphanet 636, MedGen C0027831, MONDO:0018975, OMIM 162200. Disease mechanism: loss of function.

Submissions (2):

Myriad Genetics, Inc.
Classification: Benign for Neurofibromatosis, type 1. Last evaluated: 2026-05-20. Review status: criteria provided, single submitter. Criteria: Myriad Autosomal Dominant, Autosomal Recessive and X-Linked Classification Criteria (2023). Collection method: clinical testing. Allele origin: unknown.
Comment: This variant is considered benign. This variant is a silent/synonymous amino acid change and it is not expected to impact splicing.

Labcorp Genetics (formerly Invitae), Labcorp
Classification: Likely benign for Neurofibromatosis, type 1. Last evaluated: 2023-02-26. Review status: criteria provided, single submitter. Criteria: Invitae Variant Classification Sherloc (09022015). Collection method: clinical testing. Allele origin: germline.

NM_001042492.3(NF1):c.4983G>A (p.Lys1661=)

Gene: NF1 (neurofibromin 1; plus strand). Cytogenetic location: 17q11.2.
Variant type: single nucleotide variant.
Coding change: c.4983G>A on transcript NM_001042492.3 (MANE Select); coding-DNA position 4983, G replaced by A.
Protein change: p.Lys1661=; no amino-acid change (lysine 1661 retained).
Molecular consequence: synonymous variant.
Genome position (GRCh38, 1-based): chr17:31,325,967, G>A. VCF-style: chr17-31325967-G-A. GRCh37 (hg19) VCF-style: chr17-29652985-G-A.
Other names: c.4920G>A, p.Lys1640= (NM_000267.4).
Identifiers: ClinVar variation 2049772 (VCV002049772.5), dbSNP rs2151537996, ClinGen allele CA499233001.
Genomic context (GRCh38, chr17:31,325,967, plus strand): 5'-TGTAGTGGACCTTACCCATACCGGGCCTAGCAATCGCTTTAAAACAGACTTTCTCTCTAA[G>A]TGGTTTGTTGTTTTTCCTGGCTTTGCTTACGACAACGTCTCCGCAGTCTATATCTATAAC-3'
Protein context (NP_001035957.1, residues 1651-1671): SNRFKTDFLS[Lys1661=]WFVVFPGFAY